The following is an entry in ClinVar:

NM_001394372.1(BICRA):c.535C>T (p.Gln179Ter)

Gene: BICRA (BRD4 interacting chromatin remodeling complex associated protein; plus strand). Cytogenetic location: 19q13.33.
Variant type: single nucleotide variant.
Coding change: c.535C>T on transcript NM_001394372.1 (MANE Select); coding-DNA position 535, C replaced by T.
Protein change: p.Gln179Ter; replaces glutamine 179 with a stop codon.
Molecular consequence: nonsense.
Genome position (GRCh38, 1-based): chr19:47,679,705, C>T. VCF-style: chr19-47679705-C-T. GRCh37 (hg19) VCF-style: chr19-48182962-C-T.
Other names: c.535C>T, p.Gln179Ter (NM_015711.3); short protein forms Q179*.
Identifiers: ClinVar variation 1218902 (VCV001218902.3), dbSNP rs2123585052, ClinGen allele CA406609486.

ClinVar aggregate classification (germline): Pathogenic (1 of 4 stars; one submission).

Submission:

GeneDx
Classification: Pathogenic. Last evaluated: 2020-12-29. Review status: criteria provided, single submitter. Criteria: GeneDx Variant Classification Process June 2021. Collection method: clinical testing. Allele origin: germline. Affected: yes.
Comment: Has not been previously published as pathogenic or benign to our knowledge; Not observed at a significant frequency in large population cohorts (Lek et al., 2016); Nonsense variant predicted to result in protein truncation or nonsense mediated decay in a gene for which loss-of-function is a known mechanism of disease